The following is an entry in ClinVar:

NC_000005.10:g.112707460C>G

Gene: APC (APC regulator of Wnt signaling pathway; plus strand). Cytogenetic location: 5q22.2.
Variant type: single nucleotide variant.
Genome position: GRCh38 VCF-style: chr5-112707460-C-G. GRCh37 (hg19) VCF-style: chr5-112043157-C-G.
Identifiers: ClinVar variation 2128787 (VCV002128787.5), dbSNP rs1554060161, ClinGen allele CA2580072251.
Genomic context (GRCh38, chr5:112,707,460, plus strand): 5'-GCAGTGCCCGGCAAGCGGAGCGCAGCACCCATTGCGCCTGCGCATAACAGGCTCTAGTCT[C>G]CGGGCTGTGGGAAGCCAGCAACACCTCTCACGCATGCGCATTGTAGTCTTCCCACCTCCC-3'

ClinVar aggregate classification (germline): Uncertain significance (1 of 4 stars; one submission).

Conditions:
Familial adenomatous polyposis 1 (FAP1). Also called: POLYPOSIS, ADENOMATOUS INTESTINAL; FAMILIAL ADENOMATOUS POLYPOSIS 1, ATTENUATED. Identifiers: MedGen C2713442, MONDO:0021056, OMIM 175100. Disease mechanism: loss of function.

Submission:

Labcorp Genetics (formerly Invitae), Labcorp
Classification: Uncertain significance for Familial adenomatous polyposis 1. Last evaluated: 2022-04-21. Review status: criteria provided, single submitter. Criteria: Invitae Variant Classification Sherloc (09022015). Collection method: clinical testing. Allele origin: germline.
Comment: In summary, the available evidence is currently insufficient to determine the role of this variant in disease. Therefore, it has been classified as a Variant of Uncertain Significance. Experimental studies and prediction algorithms are not available or were not evaluated, and the functional significance of this variant is currently unknown. This variant has not been reported in the literature in individuals affected with APC-related conditions. This variant is not present in population databases (gnomAD no frequency). This variant occurs in a non-coding region of the APC gene. It does not change the encoded amino acid sequence of the APC protein.